The following is an entry in ClinVar:

ClinVar aggregate classification (germline): Pathogenic (1 of 4 stars; one submission).

Conditions:
Osteogenesis imperfecta type 8 (OI8). Identifiers: MedGen C1970458, MONDO:0012581, OMIM 610915.

gnomAD v4.1: 1 of 1,614,154 alleles (0.000062%); no homozygotes.

Submission:

Labcorp Genetics (formerly Invitae), Labcorp
Classification: Pathogenic for Osteogenesis imperfecta type 8. Last evaluated: 2024-06-12. Review status: criteria provided, single submitter. Criteria: Invitae Variant Classification Sherloc (09022015). Collection method: clinical testing. Allele origin: germline.
Comment: This sequence change creates a premature translational stop signal (p.Gln319*) in the P3H1 gene. It is expected to result in an absent or disrupted protein product. Loss-of-function variants in P3H1 are known to be pathogenic (PMID: 17277775, 18566967, 19088120, 22281939). This variant is present in population databases (no rsID available, gnomAD no frequency). This variant has not been reported in the literature in individuals affected with P3H1-related conditions. For these reasons, this variant has been classified as Pathogenic.

Literature cited by the submitters: PubMed 17277775; PubMed 18566967; PubMed 19088120; PubMed 22281939.

NM_022356.4(P3H1):c.955C>T (p.Gln319Ter)

Gene: P3H1 (prolyl 3-hydroxylase 1; minus strand). Cytogenetic location: 1p34.2.
Variant type: single nucleotide variant.
Coding change: c.955C>T on transcript NM_022356.4 (MANE Select); coding-DNA position 955, C replaced by T.
Protein change: p.Gln319Ter; replaces glutamine 319 with a stop codon.
Molecular consequence: nonsense.
Genome position (GRCh38, 1-based): chr1:42,757,908, G>A on the plus strand (C>T on the coding strand, the complement: P3H1 is on the minus strand). VCF-style: chr1-42757908-G-A. GRCh37 (hg19) VCF-style: chr1-43223579-G-A.
Other names: c.955C>T, p.Gln319Ter (NM_001146289.2, NM_001243246.2); short protein forms Q319*.
Identifiers: ClinVar variation 2811766 (VCV002811766.3), dbSNP rs1326693946, ClinGen allele CA339959083.
Genomic context (GRCh38, chr1:42,757,908, plus strand): 5'-GGTTCATCACCTCGTCATTGGGGAAGAAGAGAAGATAGGTCTTGGCACATTCAACAGCCT[G>A]TGTATAATTCCCAACTGCAAAGTGGAAAGAAGAATGGCTGAGAGGAAAGAGTCAAAAGGA-3'